The following is an entry in ClinVar:

ClinVar aggregate classification (germline): Uncertain significance (1 of 4 stars; one submission).

Conditions:
Rheumatoid arthritis (RA). Also called: RHEUMATOID ARTHRITIS, SUSCEPTIBILITY TO. Identifiers: MedGen C0003873, MONDO:0008383, OMIM 180300, HP:0001370.

Submission:

Neuberg Centre For Genomic Medicine, NCGM
Classification: Uncertain significance for Rheumatoid arthritis. Review status: criteria provided, single submitter. Criteria: ACMG Guidelines, 2015. Collection method: clinical testing. Allele origin: germline. Inheritance: Autosomal dominant inheritance. Affected: yes.
Comment: The observed frameshift variant c.841delp.Leu281TrpfsTer7 in the PTPN22 gene has not been reported previously as a pathogenic variant nor as a benign variant, to our knowledge. This variant is reported with the allele frequency 0.002% in the gnomAD Exomes. This variant causes a frameshift starting with codon Leucine 281, changes this amino acid to Tryptophan residue, and creates a premature Stop codon at position 7 of the new reading frame, denoted p.Leu281TrpfsTer7. This variant is predicted to cause loss of normal protein function through protein truncation. However, loss of function variants have not been previously reported to be disease causing. For these reasons, this variant has been classified as Uncertain Significance.

NM_015967.8(PTPN22):c.841del (p.Leu281fs)

Genes: AP4B1-AS1 (AP4B1 antisense RNA 1; plus strand), PTPN22 (protein tyrosine phosphatase non-receptor type 22; minus strand). Cytogenetic location: 1p13.2.
Variant type: Deletion.
Coding change: c.841del on transcript NM_015967.8 (MANE Select); coding-DNA position 841, one base deleted (C; older notation c.841delC).
Protein change: p.Leu281fs; shifts the reading frame from leucine 281.
Molecular consequence: frameshift variant. On other transcripts: intron variant (1).
Genome position (GRCh38, 1-based): chr1:113,848,614, G deleted on the plus strand (C on the coding strand, the reverse complement: PTPN22 is on the minus strand). VCF-style (leftmost placement, unchanged base first): chr1-113848613-AG-A. GRCh37 (hg19) VCF-style: chr1-114391235-AG-A.
Other names: c.841del, p.Leu281fs (NM_001193431.3); c.769del, p.Leu257fs (NM_001308297.2); c.750+5857del (NM_012411.6); short protein forms L257fs, L281fs.
Identifiers: ClinVar variation 3393418 (VCV003393418.1).